The following is an entry in ClinVar:

ClinVar aggregate classification (germline): Conflicting classifications of pathogenicity. Review status: criteria provided, conflicting classifications (1 of 4 stars). 3 submissions from 3 submitters: Likely pathogenic (2); Uncertain significance (1). Last evaluated 2025-08-21.

Conditions:
Hyperinsulinism-hyperammonemia syndrome (HHF6). Identifiers: Orphanet 35878, MedGen C1847555, MONDO:0011717, OMIM 606762.
GLUD1-related disorders.

Submissions (3):

Labcorp Genetics (formerly Invitae), Labcorp
Classification: Likely pathogenic for Hyperinsulinism-hyperammonemia syndrome. Last evaluated: 2025-08-21. Review status: criteria provided, single submitter. Criteria: Invitae Variant Classification Sherloc (09022015). Collection method: clinical testing. Allele origin: germline.
Comment: This sequence change replaces proline with leucine at codon 489 of the GLUD1 protein (p.Pro489Leu). The proline residue is highly conserved and there is a moderate physicochemical difference between proline and leucine. This variant is not present in population databases (gnomAD no frequency). This missense change has been observed in individual(s) with clinical features of hyperinsulinism (PMID: 19690084, 36239000; internal data). In at least one individual the variant was observed to be de novo. This variant is also known as c.1479C>T or c.1466C>T (P436L or p.Pro436Leu). ClinVar contains an entry for this variant (Variation ID: 1438940). An algorithm developed to predict the effect of missense changes on protein structure and function (PolyPhen-2) suggests that this variant is likely to be disruptive. In summary, the currently available evidence indicates that the variant is pathogenic, but additional data are needed to prove that conclusively. Therefore, this variant has been classified as Likely Pathogenic.

3billion
Classification: Uncertain significance for Hyperinsulinism-hyperammonemia syndrome. Last evaluated: 2024-10-17. Review status: criteria provided, single submitter. Criteria: ACMG Guidelines, 2015. Collection method: clinical testing. Allele origin: germline. Affected: yes.
Comment: The variant is not observed in the gnomAD v4.1.0 dataset. Predicted Consequence/Location: Missense variant. Missense changes are a common disease-causing mechanism. In silico tool predictions suggest damaging effect of the variant on gene or gene product [REVEL: 0.92 (>=0.6, sensitivity 0.68 and specificity 0.92); 3Cnet: 0.95 (>=0.6, sensitivity 0.72 and precision 0.9)]. The same nucleotide change resulting in the same amino acid change has been previously reported to be associated with GLUD1 related disorder (PMID: 19690084). However, the evidence of pathogenicity is insufficient at this time. Therefore, this variant is classified as VUS according to the recommendation of ACMG/AMP guideline.

Blueprint Genetics
Classification: Likely pathogenic for GLUD1-related disorders. Last evaluated: 2020-11-16. Review status: criteria provided, single submitter. Criteria: ACMG Guidelines, 2015. Collection method: clinical testing. Allele origin: germline. Affected: yes. Observed: 2 variant alleles.

Literature cited by the submitters: PubMed 19690084 (cited by Labcorp Genetics (formerly Invitae), Labcorp and 3billion); PubMed 36239000 (cited by Labcorp Genetics (formerly Invitae), Labcorp).

NM_005271.5(GLUD1):c.1466C>T (p.Pro489Leu)

Gene: GLUD1 (glutamate dehydrogenase 1; minus strand). Cytogenetic location: 10q23.2.
Variant type: single nucleotide variant.
Coding change: c.1466C>T on transcript NM_005271.5 (MANE Select); coding-DNA position 1466, C replaced by T.
Protein change: p.Pro489Leu; replaces proline 489 with leucine.
Molecular consequence: missense variant.
Genome position (GRCh38, 1-based): chr10:87,057,719, G>A on the plus strand (C>T on the coding strand, the complement: GLUD1 is on the minus strand). VCF-style: chr10-87057719-G-A. GRCh37 (hg19) VCF-style: chr10-88817476-G-A.
Other names: c.1067C>T, p.Pro356Leu (NM_001318900.1); c.965C>T, p.Pro322Leu (NM_001318901.1, NM_001318902.1, NM_001318904.2 and 2 more transcripts); short protein forms P356L, P489L, P322L.
Identifiers: ClinVar variation 1438940 (VCV001438940.8), dbSNP rs2133788907, ClinGen allele CA377465105.